The following is an entry in ClinVar:

NM_000399.5(EGR2):c.1066G>C (p.Glu356Gln)

Gene: EGR2 (early growth response 2; minus strand). Cytogenetic location: 10q21.3.
Variant type: single nucleotide variant.
Coding change: c.1066G>C on transcript NM_000399.5 (MANE Select); coding-DNA position 1066, G replaced by C.
Protein change: p.Glu356Gln; replaces glutamic acid 356 with glutamine.
Molecular consequence: missense variant.
Genome position (GRCh38, 1-based): chr10:62,813,572, C>G on the plus strand (G>C on the coding strand, the complement: EGR2 is on the minus strand). VCF-style: chr10-62813572-C-G. GRCh37 (hg19) VCF-style: chr10-64573332-C-G.
Other names: c.1066G>C, p.Glu356Gln (NM_001136177.3, NM_001136178.2); c.916G>C, p.Glu306Gln (NM_001136179.3, NM_001321037.2); short protein forms E356Q, E306Q.
Identifiers: ClinVar variation 391755 (VCV000391755.10), dbSNP rs751448371, ClinGen allele CA16606029.

ClinVar aggregate classification (germline): Likely pathogenic. Review status: criteria provided, multiple submitters, no conflicts (2 of 4 stars). 2 submissions from 2 submitters: Likely pathogenic (2). Last evaluated 2025-08-02.

Conditions:
Charcot-Marie-Tooth disease, type I (CMT1). Also called: Charcot-Marie-Tooth disease type 1; Charcot-Marie-Tooth, Type 1. Identifiers: Orphanet 65753, MedGen C0751036, MONDO:0019011.

Submissions (2):

GeneDx
Classification: Likely pathogenic. Last evaluated: 2025-08-02. Review status: criteria provided, single submitter. Criteria: GeneDx Variant Classification Process June 2021. Collection method: clinical testing. Allele origin: germline. Affected: yes.
Comment: Reported in a patient with features of EGR2-related neuropathy in published literature (PMID: 37306961); In silico analysis supports that this missense variant has a deleterious effect on protein structure/function; Not observed at significant frequency in large population cohorts (gnomAD); This variant is associated with the following publications: (PMID: 16775366, 26204789, 37306961)

Labcorp Genetics (formerly Invitae), Labcorp
Classification: Likely pathogenic for Charcot-Marie-Tooth disease, type I. Last evaluated: 2025-03-03. Review status: criteria provided, single submitter. Criteria: Invitae Variant Classification Sherloc (09022015). Collection method: clinical testing. Allele origin: germline.
Comment: This sequence change replaces glutamic acid, which is acidic and polar, with glutamine, which is neutral and polar, at codon 356 of the EGR2 protein (p.Glu356Gln). This variant is not present in population databases (gnomAD no frequency). This missense change has been observed in individuals with autosomal dominant Charcot-Marie-Tooth disease (PMID: 37306961; internal data). ClinVar contains an entry for this variant (Variation ID: 391755). Invitae Evidence Modeling of protein sequence and biophysical properties (such as structural, functional, and spatial information, amino acid conservation, physicochemical variation, residue mobility, and thermodynamic stability) indicates that this missense variant is expected to disrupt EGR2 protein function with a positive predictive value of 80%. This variant disrupts the p.Glu356 amino acid residue in EGR2. Other variant(s) that disrupt this residue have been determined to be pathogenic (PMID: 31211173, 34255403; internal data). This suggests that this residue is clinically significant, and that variants that disrupt this residue are likely to be disease-causing. In summary, the currently available evidence indicates that the variant is pathogenic, but additional data are needed to prove that conclusively. Therefore, this variant has been classified as Likely Pathogenic.

Literature cited by the submitters: PubMed 37306961 (cited by Labcorp Genetics (formerly Invitae), Labcorp); PubMed 31211173 (cited by Labcorp Genetics (formerly Invitae), Labcorp); PubMed 34255403 (cited by Labcorp Genetics (formerly Invitae), Labcorp).